The following is an entry in ClinVar:

NM_004656.4(BAP1):c.1730-1G>A

Gene: BAP1 (BRCA1 associated deubiquitinase 1; minus strand). Cytogenetic location: 3p21.1.
Variant type: single nucleotide variant.
Coding change: c.1730-1G>A on transcript NM_004656.4 (MANE Select); the canonical splice acceptor site of the intron before coding-DNA position 1730, G replaced by A.
Molecular consequence: splice acceptor variant.
Genome position (GRCh38, 1-based): chr3:52,403,299, C>T on the plus strand (G>A on the coding strand, the complement: BAP1 is on the minus strand). VCF-style: chr3-52403299-C-T. GRCh37 (hg19) VCF-style: chr3-52437315-C-T.
Other names: c.1676-1G>A (NM_001410772.1).
Identifiers: ClinVar variation 573966 (VCV000573966.7), dbSNP rs1559586168, ClinGen allele CA353099392.

ClinVar aggregate classification (germline): Pathogenic/Likely pathogenic. Review status: criteria provided, multiple submitters, no conflicts (2 of 4 stars). 2 submissions from 2 submitters: Pathogenic (1); Likely pathogenic (1). Last evaluated 2025-01-27.

Conditions:
BAP1-related tumor predisposition syndrome (TPDS1). Also called: BAP1 tumor predisposition syndrome; COMMON Syndrome; Tumor susceptibility linked to germline BAP1 mutations; TUMOR PREDISPOSITION SYNDROME 1. Identifiers: Orphanet 289539, MedGen C3280492, MONDO:0013692, OMIM 614327.

Submissions (2):

Labcorp Genetics (formerly Invitae), Labcorp
Classification: Pathogenic for BAP1-related tumor predisposition syndrome. Last evaluated: 2025-01-27. Review status: criteria provided, single submitter. Criteria: Invitae Variant Classification Sherloc (09022015). Collection method: clinical testing. Allele origin: germline.
Comment: This sequence change affects an acceptor splice site in intron 13 of the BAP1 gene. It is expected to disrupt RNA splicing. Variants that disrupt the donor or acceptor splice site typically lead to a loss of protein function (PMID: 16199547), and loss-of-function variants in BAP1 are known to be pathogenic (PMID: 21874000, 23684012). This variant is not present in population databases (gnomAD no frequency). Disruption of this splice site has been observed in individuals with BAP1-related conditions (PMID: 30414346, 31382694; internal data). ClinVar contains an entry for this variant (Variation ID: 573966). Algorithms developed to predict the effect of sequence changes on RNA splicing suggest that this variant may disrupt the consensus splice site. For these reasons, this variant has been classified as Pathogenic.

Quest Diagnostics Nichols Institute San Juan Capistrano
Classification: Likely pathogenic. Last evaluated: 2021-05-21. Review status: criteria provided, single submitter. Criteria: Quest Diagnostics criteria. Collection method: clinical testing. Allele origin: unknown.
Comment: This variant is located in a canonical splice-acceptor site and is predicted to interfere with normal BAP1 mRNA splicing. To the best of our knowledge, the variant has not been reported in the published literature. This variant has not been reported in large, multi-ethnic general populations. Based on the available information, this variant is classified as likely pathogenic.

Literature cited by the submitters: PubMed 16199547 (cited by Labcorp Genetics (formerly Invitae), Labcorp); PubMed 21874000 (cited by Labcorp Genetics (formerly Invitae), Labcorp); PubMed 23684012 (cited by Labcorp Genetics (formerly Invitae), Labcorp); PubMed 30414346 (cited by Labcorp Genetics (formerly Invitae), Labcorp); PubMed 31382694 (cited by Labcorp Genetics (formerly Invitae), Labcorp).